The following is an entry in ClinVar:

NM_006087.4(TUBB4A):c.57+169G>A

Gene: TUBB4A (tubulin beta 4A class IVa; minus strand). Cytogenetic location: 19p13.3.
Variant type: single nucleotide variant.
Coding change: c.57+169G>A on transcript NM_006087.4 (MANE Select); 169 bases into the intron after coding-DNA position 57, G replaced by A.
Molecular consequence: intron variant.
Genome position (GRCh38, 1-based): chr19:6,501,987, C>T on the plus strand (G>A on the coding strand, the complement: TUBB4A is on the minus strand). VCF-style: chr19-6501987-C-T. GRCh37 (hg19) VCF-style: chr19-6501998-C-T.
Other names: c.57+169G>A (NM_001289129.2); c.192+169G>A (NM_001289127.2); c.210+169G>A (NM_001289123.2); c.-117+202G>A (NM_001289131.2); c.-117+169G>A (NM_001289130.2).
Identifiers: ClinVar variation 670261 (VCV000670261.1), dbSNP rs11672092, ClinGen allele CA14653308.

ClinVar aggregate classification (germline): Benign (1 of 4 stars; one submission).

Allele frequency attached by ClinVar (database versions not stated): 1000 Genomes Project 0.13818; 1000 Genomes Project 30x 0.14382; gnomAD 0.20511 and 0.21185; TOPMed 0.20802.
gnomAD v4.1: 31,046 of 152,042 alleles (20%); highest among the groups gnomAD compares: Admixed American, 22%; 3,378 homozygotes.

Submission:

GeneDx
Classification: Benign. Last evaluated: 2018-06-19. Review status: criteria provided, single submitter. Criteria: GeneDx Variant Classification (06012015). Collection method: clinical testing. Allele origin: germline. Affected: yes.
Comment: This variant is considered likely benign or benign based on one or more of the following criteria: it is a conservative change, it occurs at a poorly conserved position in the protein, it is predicted to be benign by multiple in silico algorithms, and/or has population frequency not consistent with disease.